The following is an entry in ClinVar:

Single allele

Gene: STX2 (syntaxin 2; minus strand). Cytogenetic location: 12q24.33.
Variant type: Deletion.
Identifiers: ClinVar variation 5021147 (VCV005021147.1).

ClinVar aggregate classification (germline): Pathogenic (1 of 4 stars; one submission).

Conditions:
Spermatogenic Failure. Identifiers: MedGen C3553794, MONDO:0004983.

Submission:

Conrad Lab, Oregon Health and Science University
Classification: Pathogenic for Spermatogenic Failure. Last evaluated: 2026-09-29. Review status: criteria provided, single submitter. Criteria: ACMG Guidelines, 2015. Collection method: research. Allele origin: germline. Affected: yes. Observed: 1 variant allele. Study: GEMINI.
Comment: Read-level evidence is presented in manuscript Figure 2E. Biallelic STX2 defects have been implicated in human non-obstructive azoospermia (Nakamura et al., Human Mutation, 2018;39:830-833), and knockout mice show impaired spermatogenesis. The exon loss and homozygous occurrence in an affected individual underpin the submitted Pathogenic classification. Coordinates are submitted as minimum bounds rather than sequence-resolved endpoints.